The following is an entry in ClinVar:

NM_020717.5(SHROOM4):c.436C>T (p.Arg146Trp)

Gene: SHROOM4 (shroom family member 4; minus strand). Cytogenetic location: Xp11.22.
Variant type: single nucleotide variant.
Coding change: c.436C>T on transcript NM_020717.5 (MANE Select); coding-DNA position 436, C replaced by T.
Protein change: p.Arg146Trp; replaces arginine 146 with tryptophan.
Molecular consequence: missense variant. On other transcripts: non-coding transcript variant (4).
Genome position (GRCh38, 1-based): chrX:50,635,637, G>A on the plus strand (C>T on the coding strand, the complement: SHROOM4 is on the minus strand). VCF-style: chrX-50635637-G-A. GRCh37 (hg19) VCF-style: chrX-50378637-G-A.
Other names: short protein forms R146W.
Identifiers: ClinVar variation 417739 (VCV000417739.9), dbSNP rs189694750, ClinGen allele CA10416358.

ClinVar aggregate classification (germline): Conflicting classifications of pathogenicity. Review status: criteria provided, conflicting classifications (1 of 4 stars). 4 submissions from 4 submitters: Uncertain significance (1); Likely benign (1). 2 of the submissions do not count toward it. Last evaluated 2019-04-27.

Conditions:
SHROOM4-related disorder. Also called: SHROOM4-related condition.
Intellectual developmental disorder, X-linked, syndromic, Stocco dos Santos type. Also called: STOCCO DOS SANTOS X-LINKED MENTAL RETARDATION SYNDROME; Stocco dos Santos syndrome; X-linked intellectual disability, Stocco dos Santos type. Identifiers: Orphanet 85288, MedGen C1845530, MONDO:0010325, OMIM 300434.

Allele frequency attached by ClinVar (database versions not stated): gnomAD exomes 0.00068 and 0.00018; ExAC 0.00069; gnomAD 0.00022 and 0.00031; 1000 Genomes Project 30x 0.00166; ESP Exome Variant Server 0.00028; TOPMed 0.00051; 1000 Genomes Project 0.00106.
gnomAD v4.1: 239 of 1,206,803 alleles (0.02%); highest among the groups gnomAD compares: East Asian, 0.45%; no homozygotes.

Submissions (4):

Genomic Research Center, Shahid Beheshti University of Medical Sciences
Classification: Uncertain significance for Stocco dos Santos syndrome. Last evaluated: 2019-04-27. Review status: criteria provided, single submitter. Criteria: ACMG Guidelines, 2015. Collection method: clinical testing. Allele origin: unknown. Affected: yes.

Center for Pediatric Genomic Medicine, Children's Mercy Hospital and Clinics
Classification: Likely benign. Last evaluated: 2017-05-22. Review status: criteria provided, single submitter. Criteria: ACMG Guidelines, 2015. Collection method: clinical testing. Allele origin: germline.

OMIM
Classification: Uncertain significance for RECLASSIFIED - VARIANT OF UNKNOWN SIGNIFICANCE. Last evaluated: 2022-11-15. Review status: no assertion criteria provided. Collection method: literature only. Allele origin: germline. Not counted in ClinVar's aggregate classification.

PreventionGenetics, part of Exact Sciences
Classification: Likely benign for SHROOM4-related condition. Last evaluated: 2020-09-24. Review status: no assertion criteria provided. Collection method: clinical testing. Allele origin: germline. Not counted in ClinVar's aggregate classification.
Comment: This variant is classified as likely benign based on ACMG/AMP sequence variant interpretation guidelines (Richards et al. 2015 PMID: 25741868, with internal and published modifications).

Literature cited by the submitters: Hamosh, A. Personal Communication. 2022. Baltimore, Md. (cited by OMIM); PubMed 26740508 (cited by OMIM).